The following is an entry in ClinVar:

NM_147127.5(EVC2):c.1710+225del

Gene: EVC2 (EvC ciliary complex subunit 2; minus strand). Cytogenetic location: 4p16.2.
Variant type: Deletion.
Coding change: c.1710+225del on transcript NM_147127.5 (MANE Select); 225 bases into the intron after coding-DNA position 1710, one base deleted (C; older notation c.1710+225delC).
Molecular consequence: intron variant.
Genome position (GRCh38, 1-based): chr4:5,631,568, G deleted on the plus strand (C on the coding strand, the reverse complement: EVC2 is on the minus strand); the first of 9 consecutive G bases (chr4:5,631,568-5,631,576); deleting any one gives the same sequence. VCF-style (leftmost placement, unchanged base first): chr4-5631567-TG-T. GRCh37 (hg19) VCF-style: chr4-5633294-TG-T.
Other names: c.1470+225del (NM_001166136.2).
Identifiers: ClinVar variation 670007 (VCV000670007.1), dbSNP rs71227270, ClinGen allele CA91713984.
Genomic context (GRCh38, chr4:5,631,567, plus strand): 5'-TAAGTGACGAAACTAAGGCTCAAAGAAGTGAGGTAACTTGCTCAAGTTCACGCAGTAGAC[TG>T]GGGGGGGGAACTGAAATTCCAATCCAGGTCAGCCCGAGTTCAAGGCCTGTACTCCAAGCC-3'

ClinVar aggregate classification (germline): Benign (1 of 4 stars; one submission).

Submission:

GeneDx
Classification: Benign. Last evaluated: 2018-06-14. Review status: criteria provided, single submitter. Criteria: GeneDx Variant Classification (06012015). Collection method: clinical testing. Allele origin: germline. Affected: yes.
Comment: This variant is considered likely benign or benign based on one or more of the following criteria: it is a conservative change, it occurs at a poorly conserved position in the protein, it is predicted to be benign by multiple in silico algorithms, and/or has population frequency not consistent with disease.